The following is an entry in ClinVar:

ClinVar aggregate classification (germline): Benign (1 of 4 stars; one submission).

Allele frequency attached by ClinVar (database versions not stated): TOPMed 0.71932; 1000 Genomes Project 30x 0.77280; 1000 Genomes Project 0.78075.
gnomAD v4.1: 970,887 of 1,253,056 alleles (77%); highest among the groups gnomAD compares: East Asian, 99%; 380,408 homozygotes.

Submission:

Unidad de Genómica Garrahan, Hospital de Pediatría Garrahan
Classification: Benign. Last evaluated: 2024-01-24. Review status: criteria provided, single submitter. Criteria: ACMG Guidelines, 2015. Collection method: clinical testing. Allele origin: germline. Affected: no. Observed: 84 variant alleles.
Comment: This variant is classified as Benign based on local population frequency. This variant was detected in 95% of patients studied by a panel of primary immunodeficiencies. Number of patients: 84. Only high quality variants are reported.

NM_001318777.2(TIRAP):c.*109A>G

Gene: TIRAP (TIR domain containing adaptor protein; plus strand). Cytogenetic location: 11q24.2.
Variant type: single nucleotide variant.
Coding change: c.*109A>G on transcript NM_001318777.2 (MANE Select); 109 bases downstream of the stop codon, A replaced by G.
Molecular consequence: 3 prime UTR variant.
Genome position (GRCh38, 1-based): chr11:126,293,796, A>G. VCF-style: chr11-126293796-A-G. GRCh37 (hg19) VCF-style: chr11-126163691-A-G.
Other names: c.*109A>G (NM_001039661.2).
Identifiers: ClinVar variation 2688423 (VCV002688423.2), dbSNP rs611953, ClinGen allele CA6354811.